The following is an entry in ClinVar:

NM_006790.3(MYOT):c.1372C>A (p.Pro458Thr)

Genes: MYOT (myotilin; plus strand), PKD2L2-DT (PKD2L2 divergent transcript; minus strand). Cytogenetic location: 5q31.2.
Variant type: single nucleotide variant.
Coding change: c.1372C>A on transcript NM_006790.3 (MANE Select); coding-DNA position 1372, C replaced by A.
Protein change: p.Pro458Thr; replaces proline 458 with threonine.
Molecular consequence: missense variant.
Genome position (GRCh38, 1-based): chr5:137,887,260, C>A. VCF-style: chr5-137887260-C-A. GRCh37 (hg19) VCF-style: chr5-137222949-C-A.
Other names: c.820C>A, p.Pro274Thr (NM_001135940.2); c.1027C>A, p.Pro343Thr (NM_001300911.2); short protein forms P274T, P343T, P458T.
Identifiers: ClinVar variation 2497844 (VCV002497844.1), dbSNP rs2532026787, ClinGen allele CA361056784.

ClinVar aggregate classification (germline): Uncertain significance (1 of 4 stars; one submission).

Submission:

GeneDx
Classification: Uncertain significance. Last evaluated: 2022-10-06. Review status: criteria provided, single submitter. Criteria: GeneDx Variant Classification Process June 2021. Collection method: clinical testing. Allele origin: germline. Affected: yes.
Comment: Not observed at significant frequency in large population cohorts (gnomAD); Missense variants in this gene are often considered pathogenic (HGMD); In silico analysis supports that this missense variant has a deleterious effect on protein structure/function; Has not been previously published as pathogenic or benign to our knowledge